The following is an entry in ClinVar:

ClinVar aggregate classification (germline): Uncertain significance (1 of 4 stars; one submission).

Conditions:
Spastic ataxia 2. Also called: Ataxia, spastic, 2, autosomal recessive. Identifiers: Orphanet 397946, MedGen C1969796, MONDO:0012651, OMIM 611302.

Allele frequency attached by ClinVar (database versions not stated): TOPMed below 0.00001.

Submission:

Labcorp Genetics (formerly Invitae), Labcorp
Classification: Uncertain significance for Spastic ataxia 2. Last evaluated: 2022-06-21. Review status: criteria provided, single submitter. Criteria: Invitae Variant Classification Sherloc (09022015). Collection method: clinical testing. Allele origin: germline.
Comment: In summary, the available evidence is currently insufficient to determine the role of this variant in disease. Therefore, it has been classified as a Variant of Uncertain Significance. Algorithms developed to predict the effect of missense changes on protein structure and function are either unavailable or do not agree on the potential impact of this missense change (SIFT: "Deleterious"; PolyPhen-2: "Benign"; Align-GVGD: "Class C0"). This variant has not been reported in the literature in individuals affected with KIF1C-related conditions. This variant is not present in population databases (gnomAD no frequency). This sequence change replaces glycine, which is neutral and non-polar, with arginine, which is basic and polar, at codon 812 of the KIF1C protein (p.Gly812Arg).

NM_006612.6(KIF1C):c.2434G>C (p.Gly812Arg)

Gene: KIF1C (kinesin family member 1C; plus strand). Cytogenetic location: 17p13.2.
Variant type: single nucleotide variant.
Coding change: c.2434G>C on transcript NM_006612.6 (MANE Select); coding-DNA position 2434, G replaced by C.
Protein change: p.Gly812Arg; replaces glycine 812 with arginine.
Molecular consequence: missense variant.
Genome position (GRCh38, 1-based): chr17:5,022,515, G>C. VCF-style: chr17-5022515-G-C. GRCh37 (hg19) VCF-style: chr17-4925810-G-C.
Other names: short protein forms G812R.
Identifiers: ClinVar variation 1969077 (VCV001969077.5), dbSNP rs1975114855, ClinGen allele CA397314696.